The following is an entry in ClinVar:

NM_030665.4(RAI1):c.4463G>A (p.Ser1488Asn)

Gene: RAI1 (retinoic acid induced 1; plus strand). Cytogenetic location: 17p11.2.
Variant type: single nucleotide variant.
Coding change: c.4463G>A on transcript NM_030665.4 (MANE Select); coding-DNA position 4463, G replaced by A.
Protein change: p.Ser1488Asn; replaces serine 1488 with asparagine.
Molecular consequence: missense variant.
Genome position (GRCh38, 1-based): chr17:17,797,411, G>A. VCF-style: chr17-17797411-G-A. GRCh37 (hg19) VCF-style: chr17-17700725-G-A.
Other names: short protein forms S1488N.
Identifiers: ClinVar variation 1720156 (VCV001720156.5), dbSNP rs2543619825, ClinGen allele CA398556647.
Genomic context (GRCh38, chr17:17,797,411, plus strand): 5'-ATCTTGGCCCGGCTCTGCTCCTGACTCCCCGAGACAGGGCCAGTGGCACACAAGGGGCCA[G>A]TGAGGACAACTCTGGTGGAGGAGGCAAGAAGCCAAAGATGGAGGAGCTGGGCCTGGCCTC-3'
Protein context (NP_109590.3, residues 1478-1498): RDRASGTQGA[Ser1488Asn]EDNSGGGGKK

ClinVar aggregate classification (germline): Uncertain significance (1 of 4 stars; one submission).

Submission:

Labcorp Genetics (formerly Invitae), Labcorp
Classification: Uncertain significance. Last evaluated: 2022-09-23. Review status: criteria provided, single submitter. Criteria: Invitae Variant Classification Sherloc (09022015). Collection method: clinical testing. Allele origin: germline.
Comment: In summary, the available evidence is currently insufficient to determine the role of this variant in disease. Therefore, it has been classified as a Variant of Uncertain Significance. Algorithms developed to predict the effect of missense changes on protein structure and function (SIFT, PolyPhen-2, Align-GVGD) all suggest that this variant is likely to be tolerated. This variant has not been reported in the literature in individuals affected with RAI1-related conditions. This variant is not present in population databases (gnomAD no frequency). This sequence change replaces serine, which is neutral and polar, with asparagine, which is neutral and polar, at codon 1488 of the RAI1 protein (p.Ser1488Asn).